The following is an entry in ClinVar:

ClinVar aggregate classification (germline): Uncertain significance (1 of 4 stars; one submission).

Submission:

Labcorp Genetics (formerly Invitae), Labcorp
Classification: Uncertain significance. Last evaluated: 2022-08-31. Review status: criteria provided, single submitter. Criteria: Invitae Variant Classification Sherloc (09022015). Collection method: clinical testing. Allele origin: germline.
Comment: In summary, the available evidence is currently insufficient to determine the role of this variant in disease. Therefore, it has been classified as a Variant of Uncertain Significance. Algorithms developed to predict the effect of missense changes on protein structure and function are either unavailable or do not agree on the potential impact of this missense change (SIFT: "Deleterious"; PolyPhen-2: "Possibly Damaging"; Align-GVGD: "Class C0"). This variant has not been reported in the literature in individuals affected with WDFY3-related conditions. This variant is not present in population databases (gnomAD no frequency). This sequence change replaces methionine, which is neutral and non-polar, with threonine, which is neutral and polar, at codon 613 of the WDFY3 protein (p.Met613Thr).

NM_014991.6(WDFY3):c.1838T>C (p.Met613Thr)

Gene: WDFY3 (WD repeat and FYVE domain containing 3; minus strand). Cytogenetic location: 4q21.23.
Variant type: single nucleotide variant.
Coding change: c.1838T>C on transcript NM_014991.6 (MANE Select); coding-DNA position 1838, T replaced by C.
Protein change: p.Met613Thr; replaces methionine 613 with threonine.
Molecular consequence: missense variant.
Genome position (GRCh38, 1-based): chr4:84,817,441, A>G on the plus strand (T>C on the coding strand, the complement: WDFY3 is on the minus strand). VCF-style: chr4-84817441-A-G. GRCh37 (hg19) VCF-style: chr4-85738594-A-G.
Other names: short protein forms M613T.
Identifiers: ClinVar variation 2028249 (VCV002028249.4), dbSNP rs2534501953, ClinGen allele CA357570404.